The following is an entry in ClinVar:

NM_017777.4(MKS1):c.80+4G>A

Genes: MKS1 (MKS transition zone complex subunit 1; minus strand), LOC130061271 (ATAC-STARR-seq lymphoblastoid active region 12461; plus strand). Cytogenetic location: 17q22.
Variant type: single nucleotide variant.
Coding change: c.80+4G>A on transcript NM_017777.4 (MANE Select); 4 bases into the intron after coding-DNA position 80, G replaced by A.
Molecular consequence: intron variant.
Genome position (GRCh38, 1-based): chr17:58,219,147, C>T on the plus strand (G>A on the coding strand, the complement: MKS1 is on the minus strand). VCF-style: chr17-58219147-C-T. GRCh37 (hg19) VCF-style: chr17-56296508-C-T.
Other names: c.-432+4G>A (NM_001321268.2); c.80+4G>A (NM_001330397.2, NM_001321269.2).
Identifiers: ClinVar variation 1995869 (VCV001995869.4), dbSNP rs2509469085, ClinGen allele CA2580094303.

ClinVar aggregate classification (germline): Uncertain significance (1 of 4 stars; one submission).

Conditions:
Joubert syndrome. Also called: CEREBELLOPARENCHYMAL DISORDER IV; JOUBERT-BOLTSHAUSER SYNDROME; Familial aplasia of the vermis. Identifiers: Orphanet 475, MedGen C5979921, MONDO:0018772.
Meckel-Gruber syndrome. Also called: DYSENCEPHALIA SPLANCHNOCYSTICA; GRUBER SYNDROME; Dysencephalia splachnocystica. Identifiers: Orphanet 564, MedGen C0265215, MONDO:0018921.

Allele frequency attached by ClinVar (database versions not stated): gnomAD exomes below 0.00001.
gnomAD v4.1: 1 of 1,551,168 alleles (0.000064%); highest among the groups gnomAD compares: South Asian, 0.0012%; no homozygotes.

Submission:

Labcorp Genetics (formerly Invitae), Labcorp
Classification: Uncertain significance for Joubert syndrome; Meckel-Gruber syndrome. Last evaluated: 2022-05-17. Review status: criteria provided, single submitter. Criteria: Invitae Variant Classification Sherloc (09022015). Collection method: clinical testing. Allele origin: germline.
Comment: Variants that disrupt the consensus splice site are a relatively common cause of aberrant splicing (PMID: 17576681, 9536098). Algorithms developed to predict the effect of sequence changes on RNA splicing suggest that this variant may disrupt the consensus splice site. In summary, the available evidence is currently insufficient to determine the role of this variant in disease. Therefore, it has been classified as a Variant of Uncertain Significance. This variant has not been reported in the literature in individuals affected with MKS1-related conditions. This variant is not present in population databases (gnomAD no frequency). This sequence change falls in intron 1 of the MKS1 gene. It does not directly change the encoded amino acid sequence of the MKS1 protein. It affects a nucleotide within the consensus splice site.

Literature cited by the submitters: PubMed 17576681; PubMed 9536098.